The following is an entry in ClinVar:

NM_000094.4(COL7A1):c.6394G>C (p.Gly2132Arg)

Gene: COL7A1 (collagen type VII alpha 1 chain; minus strand). Cytogenetic location: 3p21.31.
Variant type: single nucleotide variant.
Coding change: c.6394G>C on transcript NM_000094.4 (MANE Select); coding-DNA position 6394, G replaced by C.
Protein change: p.Gly2132Arg; replaces glycine 2132 with arginine.
Molecular consequence: missense variant.
Genome position (GRCh38, 1-based): chr3:48,574,550, C>G on the plus strand (G>C on the coding strand, the complement: COL7A1 is on the minus strand). VCF-style: chr3-48574550-C-G. GRCh37 (hg19) VCF-style: chr3-48611983-C-G.
Other names: short protein forms G2132R.
Identifiers: ClinVar variation 429738 (VCV000429738.2), dbSNP rs1131691559, ClinGen allele CA352658793.
Genomic context (GRCh38, chr3:48,574,550, plus strand): 5'-GGTTGCCGTCCTGACCCCTCGGTCCAGGCTCTCCCCGGTCTCCTTTGATGCCTGGCACAC[C>G]CTGAAGGCAGAGTGTCGTGCCCTGAGCCCCCAGTCCCTGCCACGTGCCCAGGTGCATATG-3'
Protein context (NP_000085.1, residues 2122-2142): NGDQGPKGDR[Gly2132Arg]VPGIKGDRGE

ClinVar aggregate classification (germline): Pathogenic (1 of 4 stars; one submission).

Submission:

GeneDx
Classification: Pathogenic. Last evaluated: 2015-11-30. Review status: criteria provided, single submitter. Criteria: GeneDx Variant Classification (06012015). Collection method: clinical testing. Allele origin: germline. Affected: yes.
Comment: To our knowledge, the G2132R variant has not been published as a pathogenic variant, nor has it beenreported as a benign variant. It was not observed in approximately 6,500 individuals of European andAfrican American ancestry in the NHLBI Exome Sequencing Project, indicating it is not a commonbenign variant in these populations. The G2132R variant is a non-conservative amino acidsubstitution, which is likely to impact secondary protein structure as these residues differ in polarity,charge, size and/or other properties. This substitution occurs at a position that is conserved acrossspecies and in silico analysis predicts this variant is probably damaging to the proteinstructure/function. Missense variants at the same codon (G2132S/D) have also been reported in theHuman Gene Mutation Database in association with DEB (Stenson et al., 2014), supporting thefunctional importance of this region of the protein. G2132R occurs at the Gly position of the highlyconserved Gly-X-Y repeat in the collagenous domain of the collagen VII protein. Therefore, allevidence confirms that this variant is a pathogenic.